The following is an entry in ClinVar:

ClinVar aggregate classification (germline): Likely benign. Review status: criteria provided, multiple submitters, no conflicts (2 of 4 stars). 2 submissions from 2 submitters: Likely benign (2). Last evaluated 2026-03-18.

Conditions:
PLEC-related disorder. Also called: PLEC-related condition; PLEC-related disorders.
Epidermolysis bullosa simplex, Ogna type (EBS5A). Also called: Pidermolysis bullosa simplex 5A, Ogna type; EPIDERMOLYSIS BULLOSA SIMPLEX 5A, OGNA TYPE. Identifiers: Orphanet 79401, MedGen C0432317, MONDO:0007555, OMIM 131950.
Autosomal recessive limb-girdle muscular dystrophy type 2Q (LGMDR17). Also called: MUSCULAR DYSTROPHY, LIMB-GIRDLE, AUTOSOMAL RECESSIVE 17. Identifiers: Orphanet 254361, MedGen C3150989, MONDO:0013390, OMIM 613723.
Epidermolysis bullosa simplex with nail dystrophy (EBS5D). Identifiers: MedGen C4225309, MONDO:0014661, OMIM 616487.
Epidermolysis bullosa simplex 5C, with pyloric atresia (EBS5C). Also called: PLEC-Related Epidermolysis Bullosa with Pyloric Atresia; Epidermolysis bullosa simplex with pyloric atresia; PLEC1-Related Epidermolysis Bullosa with Pyloric Atresia. Identifiers: Orphanet 158684, MedGen C2677349, MONDO:0012807, OMIM 612138.
Epidermolysis bullosa simplex 5B, with muscular dystrophy (EBS5B). Also called: Epidermolysis bullosa simplex with muscular dystrophy; EPIDERMOLYSIS BULLOSA SIMPLEX AND LIMB-GIRDLE MUSCULAR DYSTROPHY. Identifiers: Orphanet 257, MedGen C2931072, MONDO:0009181, OMIM 226670.

Allele frequency attached by ClinVar (database versions not stated): ExAC 0.00001; gnomAD exomes 0.00002; TOPMed 0.00002; gnomAD 0.00003.
gnomAD v4.1: 31 of 1,604,024 alleles (0.0019%); highest among the groups gnomAD compares: South Asian, 0.0033%; no homozygotes.

Submissions (2):

PreventionGenetics, part of Exact Sciences
Classification: Likely benign for PLEC-related condition. Last evaluated: 2026-03-18. Review status: criteria provided, single submitter. Criteria: ACMG Guidelines, 2015. Collection method: clinical testing. Allele origin: germline.
Comment: This variant is classified as likely benign based on ACMG/AMP sequence variant interpretation guidelines (Richards et al. 2015 PMID: 25741868, with internal and published modifications).

Labcorp Genetics (formerly Invitae), Labcorp
Classification: Likely benign for Autosomal recessive limb-girdle muscular dystrophy type 2Q; Epidermolysis bullosa simplex, Ogna type; Epidermolysis bullosa simplex with nail dystrophy; Epidermolysis bullosa simplex 5C, with pyloric atresia; Epidermolysis bullosa simplex 5B, with muscular dystrophy. Last evaluated: 2023-02-05. Review status: criteria provided, single submitter. Criteria: Invitae Variant Classification Sherloc (09022015). Collection method: clinical testing. Allele origin: germline.

NM_201384.3(PLEC):c.9087A>G (p.Val3029=)

Gene: PLEC (plectin; minus strand). Cytogenetic location: 8q24.3.
Variant type: single nucleotide variant.
Coding change: c.9087A>G on transcript NM_201384.3 (MANE Select); coding-DNA position 9087, A replaced by G.
Protein change: p.Val3029=; no amino-acid change (valine 3029 retained).
Molecular consequence: synonymous variant.
Genome position (GRCh38, 1-based): chr8:143,920,734, T>C on the plus strand (A>G on the coding strand, the complement: PLEC is on the minus strand). VCF-style: chr8-143920734-T-C. GRCh37 (hg19) VCF-style: chr8-144994902-T-C.
Other names: c.9168A>G (NM_000445.4); c.9168A>G, p.Val3056= (NM_000445.5); c.5787A>G, p.Val1929= (NM_001410941.1); c.9045A>G, p.Val3015= (NM_201378.4); c.9021A>G, p.Val3007= (NM_201379.3); c.9498A>G, p.Val3166= (NM_201380.4); c.8991A>G, p.Val2997= (NM_201381.3); c.9087A>G, p.Val3029= (NM_201382.4); and 1 more.
Identifiers: ClinVar variation 2923065 (VCV002923065.4), dbSNP rs782313505, ClinGen allele CA4925076.